The following is an entry in ClinVar:

ClinVar aggregate classification (germline): Benign/Likely benign. Review status: criteria provided, multiple submitters, no conflicts (2 of 4 stars). 8 submissions from 7 submitters: Benign (1); Likely benign (5). 2 of the submissions do not count toward it. Last evaluated 2026-01-13.

Conditions:
Hypertrophic cardiomyopathy 14. Identifiers: MedGen C2750467, MONDO:0013197, OMIM 613251.
MYH6-related disorder. Also called: MYH6-Related Disorders; MYH6-related condition.
Cardiovascular phenotype. Identifiers: MedGen CN230736.
Cardiomyopathy (CMYO). Also called: Cardiomyopathies. Identifiers: Orphanet 167848, MedGen C0878544, MONDO:0004994, HP:0001638. Inheritance: Various modes of inheritance.

Allele frequency attached by ClinVar (database versions not stated): gnomAD 0.00029 and 0.00046; TOPMed 0.00035; gnomAD exomes 0.00036; ExAC 0.00038; ESP Exome Variant Server 0.00038; 1000 Genomes Project 30x 0.00156; 1000 Genomes Project 0.00180.
gnomAD v4.1: 265 of 1,613,812 alleles (0.016%); highest among the groups gnomAD compares: East Asian, 0.16%; 3 homozygotes.

Submissions (8):

Labcorp Genetics (formerly Invitae), Labcorp
Classification: Likely benign for Hypertrophic cardiomyopathy 14. Last evaluated: 2026-01-13. Review status: criteria provided, single submitter. Criteria: Invitae Variant Classification Sherloc (09022015). Collection method: clinical testing. Allele origin: germline.

Blueprint Genetics
Classification: Likely benign. Last evaluated: 2024-09-10. Review status: criteria provided, single submitter. Criteria: ACMG Guidelines, 2015. Collection method: clinical testing. Allele origin: germline.

Women's Health and Genetics/Laboratory Corporation of America, LabCorp
Classification: Likely benign. Last evaluated: 2022-03-05. Review status: criteria provided, single submitter. Criteria: LabCorp Variant Classification Summary - May 2015. Collection method: clinical testing. Allele origin: germline.

GeneDx
Classification: Likely benign. Last evaluated: 2021-06-04. Review status: criteria provided, single submitter. Criteria: GeneDx Variant Classification Process June 2021. Collection method: clinical testing. Allele origin: germline. Affected: yes.
Comment: This variant is associated with the following publications: (PMID: 23396983, 27082122, 25351510)

Ambry Genetics
Classification: Likely benign for Cardiovascular phenotype. Last evaluated: 2019-10-17. Review status: criteria provided, single submitter. Criteria: Ambry Variant Classification Scheme 2023. Collection method: clinical testing. Allele origin: germline.

CHEO Genetics Diagnostic Laboratory, Children's Hospital of Eastern Ontario
Classification: Benign for Cardiomyopathy. Last evaluated: 2019-08-23. Review status: criteria provided, single submitter. Criteria: ACMG Guidelines, 2015. Collection method: clinical testing. Allele origin: germline.

PreventionGenetics, part of Exact Sciences
Classification: Likely benign for MYH6-related condition. Last evaluated: 2020-08-13. Review status: no assertion criteria provided. Collection method: clinical testing. Allele origin: germline. Not counted in ClinVar's aggregate classification.
Comment: This variant is classified as likely benign based on ACMG/AMP sequence variant interpretation guidelines (Richards et al. 2015 PMID: 25741868, with internal and published modifications).

GeneDx
Classification: Uncertain significance. Last evaluated: 2016-11-30. Review status: flagged submission. Criteria: GeneDx Variant Classification (06012015). Collection method: clinical testing. Allele origin: germline. Affected: yes. Not counted in ClinVar's aggregate classification.
Comment: A variant of uncertain significance has been identified in the MYH6 gene. The Q1804K variant has been previously reported in one individual with HCM (Lopes et al., 2015); however, further clinical information and segregation data were not available. This substitution occurs at a position where amino acids with similar properties to Glutamine are tolerated across species, and Q1804K is a semi-conservative amino acid substitution, which may impact secondary protein structure as these residues differ in some properties. Nevertheless, in silico analysis is inconsistent in its predictions as to whether or not the variant is damaging to the protein structure/function. Furthermore, Q1804K was observed in approximately 0.11% of alleles from individuals of African ancestry in the NHLBI Exome Sequencing Project, and approximately 0.28-0.69% of alleles from individuals of East Asian ancestry, including one homozygous individual, in the 1000 Genomes Project and Exome Aggregation Consortium, indicating it may be a rare benign variant in these populations. Therefore, based on the currently available information, it is unclear whether this variant is pathogenic or rare benign.
ClinVar note: Reason: This record appears to be redundant with a more recent record from the same submitter.
ClinVar note: Notes: SCV000492217 appears to be redundant with SCV001790846.

Literature cited by the submitters: PubMed 25351510 (cited by Ambry Genetics).

NM_002471.4(MYH6):c.5410C>A (p.Gln1804Lys)

Gene: MYH6 (myosin heavy chain 6; minus strand). Cytogenetic location: 14q11.2.
Variant type: single nucleotide variant.
Coding change: c.5410C>A on transcript NM_002471.4 (MANE Select); coding-DNA position 5410, C replaced by A.
Protein change: p.Gln1804Lys; replaces glutamine 1804 with lysine.
Molecular consequence: missense variant.
Genome position (GRCh38, 1-based): chr14:23,384,597, G>T on the plus strand (C>A on the coding strand, the complement: MYH6 is on the minus strand). VCF-style: chr14-23384597-G-T. GRCh37 (hg19) VCF-style: chr14-23853806-G-T.
Other names: short protein forms Q1804K.
Identifiers: ClinVar variation 312843 (VCV000312843.24), dbSNP rs144571463, ClinGen allele CA7114437.